The following is an entry in ClinVar:

NM_001395656.1(ROBO2):c.2846T>C (p.Ile949Thr)

Gene: ROBO2 (roundabout guidance receptor 2; plus strand). Cytogenetic location: 3p12.3.
Variant type: single nucleotide variant.
Coding change: c.2846T>C on transcript NM_001395656.1 (MANE Select); coding-DNA position 2846, T replaced by C.
Protein change: p.Ile949Thr; replaces isoleucine 949 with threonine.
Molecular consequence: missense variant.
Genome position (GRCh38, 1-based): chr3:77,596,730, T>C. VCF-style: chr3-77596730-T-C. GRCh37 (hg19) VCF-style: chr3-77645881-T-C.
Other names: c.2882T>C, p.Ile961Thr (NM_001128929.3); c.2846T>C, p.Ile949Thr (NM_001290039.2, NM_001290040.2, NM_001378202.1); c.1055T>C, p.Ile352Thr (NM_001290065.2); c.2894T>C, p.Ile965Thr (NM_001378190.1, NM_001378191.1, NM_001378195.1 and 4 more transcripts); c.2915T>C, p.Ile972Thr (NM_001378192.1, NM_001378194.1, NM_001378198.1 and 2 more transcripts); c.2834T>C, p.Ile945Thr (NM_001378193.1, NM_001378197.1, NM_002942.5); c.2903T>C, p.Ile968Thr (NM_001394212.1, NM_001394214.1, NM_001395657.1); short protein forms I945T, I961T, I352T, I949T, I965T, I968T, I972T.
Identifiers: ClinVar variation 7103 (VCV000007103.6), dbSNP rs267607014, ClinGen allele CA118635.

ClinVar aggregate classification (germline): Uncertain significance. Review status: criteria provided, multiple submitters, no conflicts (2 of 4 stars). 4 submissions from 4 submitters: Uncertain significance (3). 1 of the submissions does not count toward it. Last evaluated 2024-03-02.

Conditions:
Congenital anomaly of kidney and urinary tract. Also called: Congenital anomalies of kidney and urinary tract; Congenital anomalies of the kidney and urinary tract. Identifiers: Orphanet 93545, MedGen C1968949, MeSH C566906, MONDO:0019719.
Vesicoureteral reflux 2 (VUR2). Identifiers: Orphanet 289365, MedGen C1970483, MONDO:0012573, OMIM 610878.

Allele frequency attached by ClinVar (database versions not stated): TOPMed below 0.00001; gnomAD exomes 0.00001 and 0.00004; ExAC 0.00002.
gnomAD v4.1: 57 of 1,613,668 alleles (0.0035%); highest among the groups gnomAD compares: Non-Finnish European, 0.0047%; no homozygotes.

Submissions (4):

Fulgent Genetics
Classification: Uncertain significance for Vesicoureteral reflux 2. Last evaluated: 2024-03-02. Review status: criteria provided, single submitter. Criteria: ACMG Guidelines, 2015. Collection method: clinical testing. Allele origin: germline.

Institute of Human Genetics, University of Leipzig Medical Center
Classification: Uncertain significance for Congenital anomaly of kidney and urinary tract. Last evaluated: 2021-01-09. Review status: criteria provided, single submitter. Criteria: ACMG Guidelines, 2015. Collection method: curation. Allele origin: germline. Inheritance: Autosomal dominant inheritance. Affected: yes.
Comment: This ROBO2 variant was reported as Likely pathogenicâ€‹ in PMID: 17357069 with original nomenclature reported as c.3477T->C, I945T . Variant was re-classified as Uncertain Significance based on the criteria PM2_Supporting.

Human Genetic Laboratory, University of Liege
Classification: Uncertain significance for Vesicoureteral reflux 2. Last evaluated: 2020-02-20. Review status: criteria provided, single submitter. Criteria: ACMG Guidelines, 2015. Collection method: research. Allele origin: inherited, unknown. Inheritance: Autosomal dominant inheritance. Affected: yes and no. Observed: 4 heterozygotes. Clinical features observed: Unilateral renal agenesis (HP:0000122), Multicystic kidney dysplasia (HP:0000003), Aplasia/hypoplasia of the uterus (HP:0008684), Aplasia/Hypoplasia of the vagina (HP:0011026).
Comment: The variant is in a gene (ROBO2) previously associated with CAKUT in human. However, ROBO2 has never been associated with uterine malformations. This missense variant is present in a very low frequency in Gnomad (MAF:0.00001219). There is conflicting predictions among in silico prediction tools. The observed mode of inheritance was autosomal dominant with incomplete penetrance.

OMIM
Classification: Pathogenic for VESICOURETERAL REFLUX 2. Last evaluated: 2007-04-01. Review status: no assertion criteria provided. Collection method: literature only. Allele origin: germline. Not counted in ClinVar's aggregate classification.

Literature cited by the submitters: PubMed 17357069 (cited by Institute of Human Genetics, University of Leipzig Medical Center and OMIM).